The following is an entry in ClinVar:

ClinVar aggregate classification (germline): Pathogenic (0 of 4 stars; one submission).

Conditions:
Fibrosis of extraocular muscles, congenital, 3A, with or without extraocular involvement. Also called: FEOM3 LOCUS; CONGENITAL FIBROSIS OF EXTRAOCULAR MUSCLES 3A. Identifiers: MedGen C2748801, MONDO:0010912, OMIM 600638.

Submission:

GeneReviews
Classification: Pathogenic for Fibrosis of extraocular muscles, congenital, 3A, with or without extraocular involvement. Last evaluated: 2015-12-04. Review status: no assertion criteria provided. Collection method: literature only. Allele origin: germline. Affected: yes.
Comment: The combination of hypoplastic to absent olfactory bulbs, CFEOM, and facial weakness are seen.

Literature cited by the submitters: PubMed 23378218.

c.1228G>A

Gene: TUBB3 (tubulin beta 3 class III; plus strand). Cytogenetic location: 16q24.3.
Variant type: Variation.
Other names: E410K.
Identifiers: ClinVar variation 224784 (VCV000224784.1).